The following is an entry in ClinVar:

ClinVar aggregate classification (germline): Uncertain significance. Review status: criteria provided, multiple submitters, no conflicts (2 of 4 stars). 2 submissions from 2 submitters: Uncertain significance (2). Last evaluated 2025-08-05.

Conditions:
Inborn genetic diseases. Identifiers: MedGen C0950123, MeSH D030342.

Allele frequency attached by ClinVar (database versions not stated): gnomAD exomes 0.00002; ExAC 0.00005; gnomAD 0.00007; TOPMed 0.00008.
gnomAD v4.1: 35 of 1,613,948 alleles (0.0022%); highest among the groups gnomAD compares: African/African-American, 0.017%; no homozygotes.

Submissions (2):

Ambry Genetics
Classification: Uncertain significance for Inborn genetic diseases. Last evaluated: 2025-08-05. Review status: criteria provided, single submitter. Criteria: Ambry Variant Classification Scheme 2023. Collection method: clinical testing. Allele origin: germline.

GeneDx
Classification: Uncertain significance. Last evaluated: 2022-05-17. Review status: criteria provided, single submitter. Criteria: GeneDx Variant Classification Process June 2021. Collection method: clinical testing. Allele origin: germline. Affected: yes.
Comment: In silico analysis supports that this missense variant has a deleterious effect on protein structure/function; Has not been previously published as pathogenic or benign to our knowledge

NM_001326411.2(PISD):c.664C>T (p.Arg222Cys)

Gene: PISD (phosphatidylserine decarboxylase; minus strand). Cytogenetic location: 22q12.2.
Variant type: single nucleotide variant.
Coding change: c.664C>T on transcript NM_001326411.2 (MANE Select); coding-DNA position 664, C replaced by T.
Protein change: p.Arg222Cys; replaces arginine 222 with cysteine.
Molecular consequence: missense variant.
Genome position (GRCh38, 1-based): chr22:31,621,367, G>A on the plus strand (C>T on the coding strand, the complement: PISD is on the minus strand). VCF-style: chr22-31621367-G-A. GRCh37 (hg19) VCF-style: chr22-32017353-G-A.
Other names: c.601C>T, p.Arg201Cys (NM_001326412.1, NM_001326413.2, NM_001326414.2); c.562C>T, p.Arg188Cys (NM_001326415.2, NM_001326416.2, NM_001326417.2 and 3 more transcripts); c.484C>T, p.Arg162Cys (NM_001326418.2, NM_001326420.2); c.664C>T, p.Arg222Cys (NM_001326421.1); short protein forms R162C, R188C, R201C, R222C.
Identifiers: ClinVar variation 1800730 (VCV001800730.5), dbSNP rs756201810, ClinGen allele CA10194709.